The following is an entry in ClinVar:

NM_000535.7(PMS2):c.1670A>T (p.Asp557Val)

Gene: PMS2 (PMS1 homolog 2, mismatch repair system component; minus strand). Cytogenetic location: 7p22.1.
Variant type: single nucleotide variant.
Coding change: c.1670A>T on transcript NM_000535.7 (MANE Select); coding-DNA position 1670, A replaced by T.
Protein change: p.Asp557Val; replaces aspartic acid 557 with valine.
Molecular consequence: missense variant. On other transcripts: non-coding transcript variant (1).
Genome position (GRCh38, 1-based): chr7:5,987,095, T>A on the plus strand (A>T on the coding strand, the complement: PMS2 is on the minus strand). VCF-style: chr7-5987095-T-A. GRCh37 (hg19) VCF-style: chr7-6026726-T-A.
Other names: c.1265A>T, p.Asp422Val (NM_001322003.2, NM_001322004.2, NM_001322005.2 and 1 more transcripts); c.1352A>T, p.Asp451Val (NM_001322008.2, NM_001322007.2); c.1514A>T, p.Asp505Val (NM_001322006.2); c.1109A>T, p.Asp370Val (NM_001322010.2); c.737A>T, p.Asp246Val (NM_001322011.2, NM_001322012.2); c.1097A>T, p.Asp366Val (NM_001322013.2); c.1670A>T, p.Asp557Val (NM_001322014.2); c.1361A>T, p.Asp454Val (NM_001322015.2); short protein forms D557V, D370V, D422V, D505V, D451V, D246V, D366V, D454V.
Identifiers: ClinVar variation 572262 (VCV000572262.12), dbSNP rs1562629043, ClinGen allele CA366741270.

ClinVar aggregate classification (germline): Conflicting classifications of pathogenicity. Review status: criteria provided, conflicting classifications (1 of 4 stars). 2 submissions from 2 submitters: Uncertain significance (1); Likely benign (1). Last evaluated 2025-08-06.

Conditions:
Hereditary nonpolyposis colorectal neoplasms. Identifiers: MedGen C0009405, MeSH D003123.
Hereditary cancer-predisposing syndrome. Also called: Neoplastic Syndromes, Hereditary; Hereditary Cancer Syndrome; Tumor predisposition; Hereditary neoplastic syndrome. Identifiers: Orphanet 140162, MedGen C0027672, MeSH D009386, MONDO:0015356.

Submissions (2):

Ambry Genetics
Classification: Likely benign for Hereditary cancer-predisposing syndrome. Last evaluated: 2025-08-06. Review status: criteria provided, single submitter. Criteria: Ambry Variant Classification Scheme 2023. Collection method: clinical testing. Allele origin: germline.

Labcorp Genetics (formerly Invitae), Labcorp
Classification: Uncertain significance for Hereditary nonpolyposis colorectal neoplasms. Last evaluated: 2024-08-08. Review status: criteria provided, single submitter. Criteria: Invitae Variant Classification Sherloc (09022015). Collection method: clinical testing. Allele origin: germline.
Comment: This sequence change replaces aspartic acid, which is acidic and polar, with valine, which is neutral and non-polar, at codon 557 of the PMS2 protein (p.Asp557Val). This variant is not present in population databases (gnomAD no frequency). This variant has not been reported in the literature in individuals affected with PMS2-related conditions. ClinVar contains an entry for this variant (Variation ID: 572262). Advanced modeling of protein sequence and biophysical properties (such as structural, functional, and spatial information, amino acid conservation, physicochemical variation, residue mobility, and thermodynamic stability) performed at Invitae indicates that this missense variant is not expected to disrupt PMS2 protein function with a negative predictive value of 80%. In summary, the available evidence is currently insufficient to determine the role of this variant in disease. Therefore, it has been classified as a Variant of Uncertain Significance.